The following is an entry in ClinVar:

NM_170601.5(SIAE):c.512C>T (p.Ala171Val)

Gene: SIAE (sialic acid acetylesterase; minus strand). Cytogenetic location: 11q24.2.
Variant type: single nucleotide variant.
Coding change: c.512C>T on transcript NM_170601.5 (MANE Select); coding-DNA position 512, C replaced by T.
Protein change: p.Ala171Val; replaces alanine 171 with valine.
Molecular consequence: missense variant.
Genome position (GRCh38, 1-based): chr11:124,654,687, G>A on the plus strand (C>T on the coding strand, the complement: SIAE is on the minus strand). VCF-style: chr11-124654687-G-A. GRCh37 (hg19) VCF-style: chr11-124524583-G-A.
Other names: c.407C>T, p.Ala136Val (NM_001199922.2); short protein forms A136V, A171V.
Identifiers: ClinVar variation 1418505 (VCV001418505.6), dbSNP rs148776709, ClinGen allele CA6341509.

ClinVar aggregate classification (germline): Uncertain significance (1 of 4 stars; one submission).

Allele frequency attached by ClinVar (database versions not stated): gnomAD exomes 0.00004; ExAC 0.00005; TOPMed 0.00009; gnomAD 0.00011; ESP Exome Variant Server 0.00023.
gnomAD v4.1: 212 of 1,614,022 alleles (0.013%); highest among the groups gnomAD compares: African/African-American, 0.036%; no homozygotes.

Submission:

Labcorp Genetics (formerly Invitae), Labcorp
Classification: Uncertain significance. Last evaluated: 2026-01-08. Review status: criteria provided, single submitter. Criteria: Invitae Variant Classification Sherloc (09022015). Collection method: clinical testing. Allele origin: germline.
Comment: This sequence change replaces alanine, which is neutral and non-polar, with valine, which is neutral and non-polar, at codon 171 of the SIAE protein (p.Ala171Val). This variant is present in population databases (rs148776709, gnomAD 0.03%). This variant has not been reported in the literature in individuals affected with SIAE-related conditions. ClinVar contains an entry for this variant (Variation ID: 1418505). An algorithm developed to predict the effect of missense changes on protein structure and function (PolyPhen-2) suggests that this variant is likely to be tolerated. In summary, the available evidence is currently insufficient to determine the role of this variant in disease. Therefore, it has been classified as a Variant of Uncertain Significance.